The following is an entry in ClinVar:

ClinVar aggregate classification (germline): Uncertain significance. Review status: criteria provided, multiple submitters, no conflicts (2 of 4 stars). 2 submissions from 2 submitters: Uncertain significance (2). Last evaluated 2025-06-19.

Conditions:
Hereditary pancreatitis (PCTT). Also called: PRSS1-Related Hereditary Pancreatitis; Hereditary chronic pancreatitis. Identifiers: Orphanet 676, MedGen C0238339, MONDO:0008185, OMIM 167800.

Allele frequency attached by ClinVar (database versions not stated): gnomAD exomes below 0.00001.
gnomAD v4.1: 1 of 1,614,148 alleles (0.000062%); highest among the groups gnomAD compares: Middle Eastern, 0.016%; no homozygotes.

Submissions (2):

Ambry Genetics
Classification: Uncertain significance for Hereditary pancreatitis. Last evaluated: 2025-06-19. Review status: criteria provided, single submitter. Criteria: Ambry Variant Classification Scheme 2023. Collection method: clinical testing. Allele origin: germline.
Comment: The p.N221Y variant (also known as c.661A>T), located in coding exon 7 of the CTRC gene, results from an A to T substitution at nucleotide position 661. The asparagine at codon 221 is replaced by tyrosine, an amino acid with dissimilar properties. This amino acid position is conserved. In addition, this alteration is predicted to be deleterious by in silico analysis. Based on the available evidence, the clinical significance of this variant remains unclear.

Mayo Clinic Laboratories, Mayo Clinic
Classification: Uncertain significance. Last evaluated: 2022-05-13. Review status: criteria provided, single submitter. Criteria: ACMG Guidelines, 2015. Collection method: clinical testing. Allele origin: germline. Observed: 1 variant allele.
Comment: PM2

NM_007272.3(CTRC):c.661A>T (p.Asn221Tyr)

Gene: CTRC (chymotrypsin C; plus strand). Cytogenetic location: 1p36.21.
Variant type: single nucleotide variant.
Coding change: c.661A>T on transcript NM_007272.3 (MANE Select); coding-DNA position 661, A replaced by T.
Protein change: p.Asn221Tyr; replaces asparagine 221 with tyrosine.
Molecular consequence: missense variant.
Genome position (GRCh38, 1-based): chr1:15,445,618, A>T. VCF-style: chr1-15445618-A-T. GRCh37 (hg19) VCF-style: chr1-15772113-A-T.
Other names: p.Asn221Tyr; short protein forms N221Y.
Identifiers: ClinVar variation 2683701 (VCV002683701.2), dbSNP rs2526303380, ClinGen allele CA338567711.